The following is an entry in ClinVar:

ClinVar aggregate classification (germline): Uncertain significance (1 of 4 stars; one submission).

Submission:

Ambry Genetics
Classification: Uncertain significance. Last evaluated: 2024-11-15. Review status: criteria provided, single submitter. Criteria: Ambry Variant Classification Scheme 2023. Collection method: clinical testing. Allele origin: germline.
Comment: The p.R123S variant (also known as c.369G>C), located in coding exon 3 of the ALPK2 gene, results from a G to C substitution at nucleotide position 369. The arginine at codon 123 is replaced by serine, an amino acid with dissimilar properties. This amino acid position is conserved. In addition, this alteration is predicted to be tolerated by in silico analysis. Based on the available evidence, the clinical significance of this variant remains unclear.

NM_052947.4(ALPK2):c.369G>C (p.Arg123Ser)

Gene: ALPK2 (alpha kinase 2; minus strand). Cytogenetic location: 18q21.31.
Variant type: single nucleotide variant.
Coding change: c.369G>C on transcript NM_052947.4 (MANE Select); coding-DNA position 369, G replaced by C.
Protein change: p.Arg123Ser; replaces arginine 123 with serine.
Molecular consequence: missense variant.
Genome position (GRCh38, 1-based): chr18:58,580,407, C>G on the plus strand (G>C on the coding strand, the complement: ALPK2 is on the minus strand). VCF-style: chr18-58580407-C-G. GRCh37 (hg19) VCF-style: chr18-56247639-C-G.
Other names: short protein forms R123S.
Identifiers: ClinVar variation 3532102 (VCV003532102.1).